The following is an entry in ClinVar:

ClinVar aggregate classification (germline): Uncertain significance (1 of 4 stars; one submission).

Conditions:
Inborn genetic diseases. Identifiers: MedGen C0950123, MeSH D030342.

gnomAD v4.1: 2 of 1,612,316 alleles (0.00012%); highest among the groups gnomAD compares: Non-Finnish European, 0.00017%; no homozygotes.

Submission:

Ambry Genetics
Classification: Uncertain significance for Inborn genetic diseases. Last evaluated: 2025-01-19. Review status: criteria provided, single submitter. Criteria: Ambry Variant Classification Scheme 2023. Collection method: clinical testing. Allele origin: germline.
Comment: The p.Q892H variant (also known as c.2676G>C), located in coding exon 28 of the RTEL1 gene, results from a G to C substitution at nucleotide position 2676. The glutamine at codon 892 is replaced by histidine, an amino acid with highly similar properties. This amino acid position is conserved. In addition, the in silico prediction for this alteration is inconclusive. Based on the available evidence, the clinical significance of this variant remains unclear.

NM_001283009.2(RTEL1):c.2676G>C (p.Gln892His)

Genes: RTEL1 (regulator of telomere elongation helicase 1; plus strand), RTEL1-TNFRSF6B (RTEL1-TNFRSF6B readthrough (NMD candidate); plus strand). Cytogenetic location: 20q13.33.
Variant type: single nucleotide variant.
Coding change: c.2676G>C on transcript NM_001283009.2 (MANE Select); coding-DNA position 2676, G replaced by C.
Protein change: p.Gln892His; replaces glutamine 892 with histidine.
Molecular consequence: missense variant. On other transcripts: non-coding transcript variant (1).
Genome position (GRCh38, 1-based): chr20:63,692,828, G>C. VCF-style: chr20-63692828-G-C. GRCh37 (hg19) VCF-style: chr20-62324181-G-C.
Other names: c.2007G>C, p.Gln669His (NM_001283010.1); c.2676G>C, p.Gln892His (NM_016434.4); c.2748G>C, p.Gln916His (NM_032957.5); short protein forms Q669H, Q892H, Q916H.
Identifiers: ClinVar variation 3791074 (VCV003791074.1).
Genomic context (GRCh38, chr20:63,692,828, plus strand): 5'-GCTGGCCCTGATGGAGCCTCGGGCCTGTGTCCTGCAGGAGGAGCCCGTGGCTGGTGCACA[G>C]ACGGACAGGGCCAAGCTCTTCATGGTGGCCGTGAAGCAGGAGTTGAGCCAAGCCAACTTT-3'
Protein context (NP_001269938.1, residues 882-902): SHPEEPVAGA[Gln892His]TDRAKLFMVA